The following is an entry in ClinVar:

ClinVar aggregate classification (germline): Likely pathogenic (1 of 4 stars; one submission).

Conditions:
ANO1-related fatal neonatal disease due to impaired chloride currents.

Submission:

3billion
Classification: Likely pathogenic for ANO1-related fatal neonatal disease due to impaired chloride currents. Last evaluated: 2022-03-22. Review status: criteria provided, single submitter. Criteria: ACMG Guidelines, 2015. Collection method: clinical testing. Allele origin: germline. Affected: yes. Observed: 1 homozygote.
Comment: Stop-gained (nonsense): predicted to result in a loss or disruption of normal protein function through nonsense-mediated decay (NMD) or protein truncation. Multiple pathogenic variants are reported downstream of the variant.It is not observed in the gnomAD v2.1.1 dataset. Therefore, this variant is classified as likely pathogenic according to the recommendation of ACMG/AMP guideline.

NM_018043.7(ANO1):c.1273G>T (p.Glu425Ter)

Gene: ANO1 (anoctamin 1; plus strand). Cytogenetic location: 11q13.3.
Variant type: single nucleotide variant.
Coding change: c.1273G>T on transcript NM_018043.7 (MANE Select); coding-DNA position 1273, G replaced by T.
Protein change: p.Glu425Ter; replaces glutamic acid 425 with a stop codon.
Molecular consequence: nonsense. On other transcripts: non-coding transcript variant (1).
Genome position (GRCh38, 1-based): chr11:70,149,724, G>T. VCF-style: chr11-70149724-G-T. GRCh37 (hg19) VCF-style: chr11-69995830-G-T.
Other names: c.1462G>T, p.Glu488Ter (NM_001378092.1); c.1273G>T, p.Glu425Ter (NM_001378093.1, NM_001378094.2, NM_001378096.2); c.1339G>T, p.Glu447Ter (NM_001378095.2); c.1174G>T, p.Glu392Ter (NM_001378097.2); short protein forms E392*, E425*, E447*, E488*.
Identifiers: ClinVar variation 1526099 (VCV001526099.1), dbSNP rs2135625521, ClinGen allele CA381667000.